The following is an entry in ClinVar:

NM_000208.4(INSR):c.653-23TC[18]

Gene: INSR (insulin receptor; minus strand). Cytogenetic location: 19p13.2.
Variant type: Microsatellite.
Coding change: c.653-23TC[18] on transcript NM_000208.4 (MANE Select); 18 copies in a row of the 2-base unit TC starting at c.653-23; the reference has ten copies in a row; eight copies, 16 bases duplicated.
Molecular consequence: intron variant.
Genome position (GRCh38, 1-based): chr19:7,184,641-7,184,656, GAGAGAGAGAGAGAGA duplicated on the plus strand (TCTCTCTCTCTCTCTC on the coding strand, the reverse complement: INSR is on the minus strand); duplicating any 16 consecutive bases within chr19:7,184,641-7,184,661 gives the same sequence; the position shown is the placement nearest the transcript's 3' end. VCF-style (leftmost placement, unchanged base first): chr19-7184640-G-GGAGAGAGAGAGAGAGA. GRCh37 (hg19) VCF-style: chr19-7184651-G-GGAGAGAGAGAGAGAGA.
Other names: c.653-23TC[18] (NM_001079817.3).
Identifiers: ClinVar variation 3718955 (VCV003718955.2).

ClinVar aggregate classification (germline): Uncertain significance (1 of 4 stars; one submission).

Submission:

Labcorp Genetics (formerly Invitae), Labcorp
Classification: Uncertain significance. Last evaluated: 2024-11-03. Review status: criteria provided, single submitter. Criteria: Invitae Variant Classification Sherloc (09022015). Collection method: clinical testing. Allele origin: germline.
Comment: This sequence change falls in intron 2 of the INSR gene. It does not directly change the encoded amino acid sequence of the INSR protein. This variant is not present in population databases (gnomAD no frequency). This variant has not been reported in the literature in individuals affected with INSR-related conditions. Experimental studies and prediction algorithms are not available or were not evaluated, and the effect of this variant on mRNA splicing is currently unknown. In summary, the available evidence is currently insufficient to determine the role of this variant in disease. Therefore, it has been classified as a Variant of Uncertain Significance.